The following is an entry in ClinVar:

ClinVar aggregate classification (germline): Likely benign (1 of 4 stars; one submission).

Submission:

CeGaT Center for Human Genetics Tuebingen
Classification: Likely benign. Last evaluated: 2025-05-01. Review status: criteria provided, single submitter. Criteria: CeGaT Center For Human Genetics Tuebingen Variant Classification Criteria Version 2. Collection method: clinical testing. Allele origin: germline. Affected: yes. Observed: 3 variant alleles.
Comment: NEDD4L: PM2:Supporting, BP4, BP7

NM_001144967.3(NEDD4L):c.2115T>C (p.Asp705=)

Gene: NEDD4L (NEDD4 like E3 ubiquitin protein ligase; plus strand). Cytogenetic location: 18q21.31.
Variant type: single nucleotide variant.
Coding change: c.2115T>C on transcript NM_001144967.3 (MANE Select); coding-DNA position 2115, T replaced by C.
Protein change: p.Asp705=; no amino-acid change (aspartic acid 705 retained).
Molecular consequence: synonymous variant.
Genome position (GRCh38, 1-based): chr18:58,367,797, T>C. VCF-style: chr18-58367797-T-C. GRCh37 (hg19) VCF-style: chr18-56035029-T-C.
Other names: c.1752T>C, p.Asp584= (NM_001144964.1, NM_001144965.2, NM_001144966.3); c.2091T>C, p.Asp697= (NM_001144968.2); c.2031T>C, p.Asp677= (NM_001144969.2); c.1692T>C, p.Asp564= (NM_001144970.3, NM_001144971.2); c.1923T>C, p.Asp641= (NM_001243960.2); c.2055T>C, p.Asp685= (NM_015277.6).
Identifiers: ClinVar variation 3898490 (VCV003898490.7).